The following is an entry in ClinVar:

ClinVar aggregate classification (germline): Uncertain significance (1 of 4 stars; one submission).

Conditions:
Diabetes mellitus, transient neonatal, 3 (TNDM3). Identifiers: Orphanet 99886, MedGen C1864623, MONDO:0012522, OMIM 610582. Disease mechanism: loss of function.

Submission:

Baylor Genetics
Classification: Uncertain significance for Diabetes mellitus, transient neonatal, 3. Last evaluated: 2019-06-21. Review status: criteria provided, single submitter. Criteria: ACMG Guidelines, 2015. Collection method: clinical testing. Allele origin: unknown. Affected: yes.
Comment: This variant was determined to be of uncertain significance according to ACMG Guidelines, 2015 [PMID:25741868].

NM_000525.4(KCNJ11):c.803A>T (p.Tyr268Phe)

Gene: KCNJ11 (potassium inwardly rectifying channel subfamily J member 11; minus strand). Cytogenetic location: 11p15.1.
Variant type: single nucleotide variant.
Coding change: c.803A>T on transcript NM_000525.4 (MANE Select); coding-DNA position 803, A replaced by T.
Protein change: p.Tyr268Phe; replaces tyrosine 268 with phenylalanine.
Molecular consequence: missense variant.
Genome position (GRCh38, 1-based): chr11:17,387,289, T>A on the plus strand (A>T on the coding strand, the complement: KCNJ11 is on the minus strand). VCF-style: chr11-17387289-T-A. GRCh37 (hg19) VCF-style: chr11-17408836-T-A.
Other names: c.542A>T, p.Tyr181Phe (NM_001166290.2, NM_001377296.1, NM_001377297.1); short protein forms Y268F, Y181F.
Identifiers: ClinVar variation 1028816 (VCV001028816.1), dbSNP rs1953576929, ClinGen allele CA379770599.
Genomic context (GRCh38, chr11:17,387,289, plus strand): 5'-TCCAGGATGACGATGATCTCGAGGTCCTGGTGGTGGTGCAGGTCGCTGGGTGCCAGGTCG[T>A]AGAGTGGGCTGTTGGCATCAATGACATGGTAGATGATCAGCGGGGCCACCAGGAAGATGC-3'
Protein context (NP_000516.3, residues 258-278): YHVIDANSPL[Tyr268Phe]DLAPSDLHHH